The following is an entry in ClinVar:

ClinVar aggregate classification (germline): Uncertain significance (1 of 4 stars; one submission).

Conditions:
Hereditary cancer-predisposing syndrome. Also called: Neoplastic Syndromes, Hereditary; Tumor predisposition; Hereditary Cancer Syndrome; Hereditary neoplastic syndrome. Identifiers: Orphanet 140162, MedGen C0027672, MeSH D009386, MONDO:0015356.

Submission:

Ambry Genetics
Classification: Uncertain significance for Hereditary cancer-predisposing syndrome. Last evaluated: 2025-08-08. Review status: criteria provided, single submitter. Criteria: Ambry Variant Classification Scheme 2023. Collection method: clinical testing. Allele origin: germline.
Comment: The p.V415L variant (also known as c.1243G>C), located in coding exon 9 of the BRCA1 gene, results from a G to C substitution at nucleotide position 1243. The valine at codon 415 is replaced by leucine, an amino acid with highly similar properties. This amino acid position is not well conserved in available vertebrate species. In addition, the in silico prediction for this alteration is inconclusive. Based on the available evidence, the clinical significance of this variant remains unclear.

NM_007294.4(BRCA1):c.1243G>C (p.Val415Leu)

Gene: BRCA1 (BRCA1 DNA repair associated; minus strand). Cytogenetic location: 17q21.31.
Variant type: single nucleotide variant.
Coding change: c.1243G>C on transcript NM_007294.4 (MANE Select); coding-DNA position 1243, G replaced by C.
Protein change: p.Val415Leu; replaces valine 415 with leucine.
Molecular consequence: missense variant. On other transcripts: intron variant (137).
Genome position (GRCh38, 1-based): chr17:43,094,288, C>G on the plus strand (G>C on the coding strand, the complement: BRCA1 is on the minus strand). VCF-style: chr17-43094288-C-G. GRCh37 (hg19) VCF-style: chr17-41246305-C-G.
Other names: c.1033G>C, p.Val345Leu (NM_001407909.1, NM_001407910.1, NM_001407879.1 and 13 more transcripts); c.1030G>C, p.Val344Leu (NM_001407915.1, NM_001407916.1, NM_001407917.1 and 9 more transcripts); c.1120G>C, p.Val374Leu (NM_001407919.1, NM_001407666.1, NM_001407667.1 and 19 more transcripts); c.976G>C, p.Val326Leu (NM_001407932.1, NM_001407934.1, NM_001407930.1 and 2 more transcripts); c.979G>C, p.Val327Leu (NM_001407933.1, NM_001407921.1, NM_001407935.1 and 9 more transcripts); c.1243G>C, p.Val415Leu (NM_001407618.1, NM_001407619.1, NM_001407620.1 and 30 more transcripts); c.1240G>C, p.Val414Leu (NM_001407627.1, NM_001407860.1, NM_001407861.1 and 22 more transcripts); c.1117G>C, p.Val373Leu (NM_001407670.1, NM_001407671.1, NM_001407672.1 and 11 more transcripts); and 40 more; short protein forms V288L, V303L, V347L, V367L, V374L, V388L, V304L, V373L.
Identifiers: ClinVar variation 4215108 (VCV004215108.1).